The following is an entry in ClinVar:

NM_080911.3(UNG):c.133-2A>G

Gene: UNG (uracil DNA glycosylase; plus strand). Cytogenetic location: 12q24.11.
Variant type: single nucleotide variant.
Coding change: c.133-2A>G on transcript NM_080911.3 (MANE Select); the canonical splice acceptor site of the intron before coding-DNA position 133, A replaced by G.
Molecular consequence: splice acceptor variant. On other transcripts: missense variant (1).
Genome position (GRCh38, 1-based): chr12:109,098,430, A>G. VCF-style: chr12-109098430-A-G. GRCh37 (hg19) VCF-style: chr12-109536235-A-G.
Other names: c.104A>G, p.Gln35Arg (NM_003362.4); short protein forms Q35R.
Identifiers: ClinVar variation 2787212 (VCV002787212.3), dbSNP rs746878731, ClinGen allele CA6772502.
Genomic context (GRCh38, chr12:109,098,430, plus strand): 5'-TGCGGACGCCTGGGAAGGGGCCGCTGCAGCTCTTGAGCCGCCTCTGCGGGGACCACTTGC[A>G]GGCCATCCCAGCCAAGAAGGCCCCGGCTGGGCAGGAGGAGCCTGGGACGCCGCCCTCCTC-3'

ClinVar aggregate classification (germline): Likely pathogenic (1 of 4 stars; one submission).

Conditions:
Hyper-IgM syndrome type 5 (HIGM5). Also called: Hyper-IgM Immunodeficiency Syndrome, Type 5. Identifiers: Orphanet 101092, MedGen C1720958, MONDO:0011971, OMIM 608106.

Allele frequency attached by ClinVar (database versions not stated): gnomAD exomes below 0.00001; TOPMed below 0.00001; ExAC 0.00001.
gnomAD v4.1: 2 of 1,606,230 alleles (0.00012%); highest among the groups gnomAD compares: Non-Finnish European, 0.00017%; no homozygotes.

Submission:

Labcorp Genetics (formerly Invitae), Labcorp
Classification: Likely pathogenic for Hyper-IgM syndrome type 5. Last evaluated: 2023-11-03. Review status: criteria provided, single submitter. Criteria: Invitae Variant Classification Sherloc (09022015). Collection method: clinical testing. Allele origin: germline.
Comment: This sequence change affects an acceptor splice site in intron 1 of the UNG gene. It is expected to disrupt RNA splicing. Variants that disrupt the donor or acceptor splice site typically lead to a loss of protein function (PMID: 16199547), and loss-of-function variants in UNG are known to be pathogenic (PMID: 12958596). This variant is present in population databases (rs746878731, gnomAD 0.0009%). This variant has not been reported in the literature in individuals affected with UNG-related conditions. Algorithms developed to predict the effect of sequence changes on RNA splicing suggest that this variant may disrupt the consensus splice site. In summary, the currently available evidence indicates that the variant is pathogenic, but additional data are needed to prove that conclusively. Therefore, this variant has been classified as Likely Pathogenic.

Literature cited by the submitters: PubMed 16199547; PubMed 12958596.